The following is an entry in ClinVar:

ClinVar aggregate classification (germline): Conflicting classifications of pathogenicity. Review status: criteria provided, conflicting classifications (1 of 4 stars). 11 submissions from 10 submitters: Uncertain significance (1); Benign (9); Likely benign (1). Last evaluated 2026-02-04.

Conditions:
Pityriasis rubra pilaris (PRP). Also called: Pityriasis rubra pilaris--familial type. Identifiers: Orphanet 2897, MedGen C0032027, MONDO:0100017, OMIM 173200, MONDO:0008251.
Psoriasis 2. Identifiers: MedGen C1864497, MONDO:0011269, OMIM 602723.

Allele frequency attached by ClinVar (database versions not stated): 1000 Genomes Project 0.34704; 1000 Genomes Project 30x 0.34994; gnomAD exomes 0.35601 and 0.37559; TOPMed 0.37128; gnomAD 0.37881 and 0.37893; ESP Exome Variant Server 0.38669; ExAC 0.45472.
gnomAD v4.1: 584,178 of 1,554,468 alleles (38%); highest among the groups gnomAD compares: South Asian, 43%; 111,074 homozygotes.

Submissions (11):

Labcorp Genetics (formerly Invitae), Labcorp
Classification: Benign for Pityriasis rubra pilaris; Psoriasis 2. Last evaluated: 2026-02-04. Review status: criteria provided, single submitter. Criteria: Invitae Variant Classification Sherloc (09022015). Collection method: clinical testing. Allele origin: germline.

Women's Health and Genetics/Laboratory Corporation of America, LabCorp
Classification: Benign. Last evaluated: 2026-01-21. Review status: criteria provided, single submitter. Criteria: LabCorp Variant Classification Summary - May 2015. Collection method: clinical testing. Allele origin: germline.

Blueprint Genetics
Classification: Likely benign. Last evaluated: 2024-11-28. Review status: criteria provided, single submitter. Criteria: ACMG Guidelines, 2015. Collection method: clinical testing. Allele origin: germline.

Unidad de Genómica Garrahan, Hospital de Pediatría Garrahan
Classification: Benign. Last evaluated: 2023-11-12. Review status: criteria provided, single submitter. Criteria: ACMG Guidelines, 2015. Collection method: clinical testing. Allele origin: germline. Affected: no. Observed: 48 variant alleles.
Comment: This variant is classified as Benign based on local population frequency. This variant was detected in 50% of patients studied by a panel of primary immunodeficiencies. Number of patients: 48. Only high quality variants are reported.

Genome-Nilou Lab
Classification: Benign for Pityriasis rubra pilaris. Last evaluated: 2021-07-14. Review status: criteria provided, single submitter. Criteria: ACMG Guidelines, 2015. Collection method: clinical testing. Allele origin: germline. Affected: no.

Genome-Nilou Lab
Classification: Benign for Psoriasis 2. Last evaluated: 2021-07-14. Review status: criteria provided, single submitter. Criteria: ACMG Guidelines, 2015. Collection method: clinical testing. Allele origin: germline. Affected: no.

GeneDx
Classification: Benign. Last evaluated: 2018-07-05. Review status: criteria provided, single submitter. Criteria: GeneDx Variant Classification Process June 2021. Collection method: clinical testing. Allele origin: germline. Affected: yes.

Mayo Clinic Laboratories, Mayo Clinic
Classification: Benign. Last evaluated: 2018-03-22. Review status: criteria provided, single submitter. Criteria: ACMG Guidelines, 2015. Collection method: clinical testing. Allele origin: germline. Observed: 621 variant alleles.

Laboratory for Molecular Medicine, Mass General Brigham Personalized Medicine
Classification: Benign. Last evaluated: 2016-03-29. Review status: criteria provided, single submitter. Criteria: LMM Criteria. Collection method: clinical testing. Allele origin: germline.
Comment: Variant identified in a genome or exome case(s) and assessed due to predicted null impact of the variant or pathogenic assertions in the literature or databases. Disclaimer: This variant has not undergone full assessment. The following are preliminary notes: Frequency

Breakthrough Genomics
Classification: Benign. Review status: criteria provided, single submitter. Criteria: ACMG Guidelines, 2015. Collection method: not provided. Allele origin: germline. Inheritance: Autosomal dominant inheritance. Affected: yes.

Clinical Genomics, Uppaluri K&H Personalized Medicine Clinic
Classification: Uncertain significance for Pityriasis rubra pilaris. Review status: criteria provided, single submitter. Criteria: K &amp; H Uppaluri Personalized Medicine Clinic Variant Classification &amp; Assertion Criteria_Updated V.1. Collection method: clinical testing. Allele origin: germline. Inheritance: Autosomal dominant inheritance. Affected: yes. Observed: 1 heterozygote.
Comment: CARD14 is a scaffold protein that mediates NF-κB signal transduction in skin keratinocytes. Potent mutations in Card14 have been shown to be associated with familial pustular psoriasis and other cutaneous inflammatory conditions like Pytriasis rubra pilaris.However, the role of rs4889990 is yet to be ascertained.

Literature cited by the submitters: PubMed 31971603 (cited by Clinical Genomics, Uppaluri K&H Personalized Medicine Clinic); PubMed 22521419 (cited by Clinical Genomics, Uppaluri K&H Personalized Medicine Clinic); PubMed 26203641 (cited by Clinical Genomics, Uppaluri K&H Personalized Medicine Clinic); PubMed 36221432 (cited by Clinical Genomics, Uppaluri K&H Personalized Medicine Clinic); PubMed 36174714 (cited by Clinical Genomics, Uppaluri K&H Personalized Medicine Clinic).

NM_001366385.1(CARD14):c.633G>A (p.Glu211=)

Gene: CARD14 (caspase recruitment domain family member 14; plus strand). Cytogenetic location: 17q25.3.
Variant type: single nucleotide variant.
Coding change: c.633G>A on transcript NM_001366385.1 (MANE Select); coding-DNA position 633, G replaced by A.
Protein change: p.Glu211=; no amino-acid change (glutamic acid 211 retained).
Molecular consequence: synonymous variant. On other transcripts: non-coding transcript variant (1).
Genome position (GRCh38, 1-based): chr17:80,184,196, G>A. VCF-style: chr17-80184196-G-A. GRCh37 (hg19) VCF-style: chr17-78157995-G-A.
Other names: p.Glu211=; c.633G>A, p.Glu211= (NM_024110.4, NM_001257970.1).
Identifiers: ClinVar variation 402483 (VCV000402483.23), dbSNP rs4889990, ClinGen allele CA8816461.
Genomic context (GRCh38, chr17:80,184,196, plus strand): 5'-GCTGAGGCTGAAGGACGAGATGCTCAGCCTCTCGCTGCACTATAGCAATGCGCTGCAGGA[G>A]AAGGAGCTGGCCGCCTCACGCTGCCGCAGCCTGCAGGAGGAGGTAGGGGGACACCCTGCA-3'
Protein context (NP_001353314.1, residues 201-221): LSLHYSNALQ[Glu211=]KELAASRCRS